The following is an entry in ClinVar:

ClinVar aggregate classification (germline): Uncertain significance (1 of 4 stars; one submission).

Allele frequency attached by ClinVar (database versions not stated): gnomAD exomes below 0.00001.
gnomAD v4.1: 1 of 1,551,690 alleles (0.000064%); highest among the groups gnomAD compares: Non-Finnish European, 0.000087%; no homozygotes.

Submission:

GeneDx
Classification: Uncertain significance. Last evaluated: 2017-05-17. Review status: criteria provided, single submitter. Criteria: GeneDx Variant Classification (06012015). Collection method: clinical testing. Allele origin: germline. Affected: yes.
Comment: The K627Q variant in the LOXHD1 gene has not been reported previously as a pathogenic variant, nor as a benign variant, to our knowledge. The K627Q variant is not observed in large population cohorts (Lek et al., 2016; 1000 Genomes Consortium et al., 2015; Exome Variant Server). The K627Q variant is a semi-conservative amino acid substitution, which may impact secondary protein structure as these residues differ in some properties. This substitution occurs at a position where amino acids with similar properties to Lysine are tolerated across species. In silico analysis is inconsistent in its predictions as to whether or not the variant is damaging to the protein structure/function. We interpret K627Q as a variant of uncertain significance.

NM_001384474.1(LOXHD1):c.1879A>C (p.Lys627Gln)

Gene: LOXHD1 (lipoxygenase homology PLAT domains 1; minus strand). Cytogenetic location: 18q21.1.
Variant type: single nucleotide variant.
Coding change: c.1879A>C on transcript NM_001384474.1 (MANE Select); coding-DNA position 1879, A replaced by C.
Protein change: p.Lys627Gln; replaces lysine 627 with glutamine.
Molecular consequence: missense variant.
Genome position (GRCh38, 1-based): chr18:46,577,798, T>G on the plus strand (A>C on the coding strand, the complement: LOXHD1 is on the minus strand). VCF-style: chr18-46577798-T-G. GRCh37 (hg19) VCF-style: chr18-44157761-T-G.
Other names: c.1879A>C, p.Lys627Gln (NM_144612.7); short protein forms K627Q.
Identifiers: ClinVar variation 430136 (VCV000430136.2), dbSNP rs1131691796, ClinGen allele CA402378223.